The following is an entry in ClinVar:

NM_003079.5(SMARCE1):c.1213C>G (p.Pro405Ala)

Gene: SMARCE1 (SWI/SNF related BAF chromatin remodeling complex subunit E1; minus strand). Cytogenetic location: 17q21.2.
Variant type: single nucleotide variant.
Coding change: c.1213C>G on transcript NM_003079.5 (MANE Select); coding-DNA position 1213, C replaced by G.
Protein change: p.Pro405Ala; replaces proline 405 with alanine.
Molecular consequence: missense variant.
Genome position (GRCh38, 1-based): chr17:40,628,808, G>C on the plus strand (C>G on the coding strand, the complement: SMARCE1 is on the minus strand). VCF-style: chr17-40628808-G-C. GRCh37 (hg19) VCF-style: chr17-38785060-G-C.
Other names: short protein forms P405A.
Identifiers: ClinVar variation 654067 (VCV000654067.15), dbSNP rs767835921, ClinGen allele CA8545045.
Genomic context (GRCh38, chr17:40,628,808, plus strand): 5'-AAAAAAAGTATTTAGAACACACAAAACAAGGCAACACTTATTCTTTTTTCTCATCTTCTG[G>C]TATGGGATCTGTTGGTGGCTCCTCCACTGTTGCACTGTTGCTCTCCGAGCCAGTGTTACT-3'
Protein context (NP_003070.3, residues 395-411): TVEEPPTDPI[Pro405Ala]EDEKKE

ClinVar aggregate classification (germline): Conflicting classifications of pathogenicity. Review status: criteria provided, conflicting classifications (1 of 4 stars). 3 submissions from 3 submitters: Uncertain significance (2); Likely benign (1). Last evaluated 2024-12-11.

Conditions:
Hereditary cancer-predisposing syndrome. Also called: Neoplastic Syndromes, Hereditary; Tumor predisposition; Hereditary Cancer Syndrome; Hereditary neoplastic syndrome. Identifiers: Orphanet 140162, MedGen C0027672, MeSH D009386, MONDO:0015356.
Familial meningioma. Also called: Meningioma, familial, susceptibility to. Identifiers: Orphanet 263662, MedGen C3551915, MONDO:0011789, OMIM 607174.

Allele frequency attached by ClinVar (database versions not stated): ExAC 0.00001; gnomAD exomes 0.00001.
gnomAD v4.1: 14 of 1,613,020 alleles (0.00087%); highest among the groups gnomAD compares: Non-Finnish European, 0.0012%; no homozygotes.

Submissions (3):

Labcorp Genetics (formerly Invitae), Labcorp
Classification: Uncertain significance for Familial meningioma. Last evaluated: 2024-12-11. Review status: criteria provided, single submitter. Criteria: Invitae Variant Classification Sherloc (09022015). Collection method: clinical testing. Allele origin: germline.
Comment: This sequence change replaces proline, which is neutral and non-polar, with alanine, which is neutral and non-polar, at codon 405 of the SMARCE1 protein (p.Pro405Ala). This variant is present in population databases (rs767835921, gnomAD 0.002%). This variant has not been reported in the literature in individuals affected with SMARCE1-related conditions. ClinVar contains an entry for this variant (Variation ID: 654067). Experimental studies and prediction algorithms are not available or were not evaluated, and the functional significance of this variant is currently unknown. In summary, the available evidence is currently insufficient to determine the role of this variant in disease. Therefore, it has been classified as a Variant of Uncertain Significance.

Ambry Genetics
Classification: Likely benign for Hereditary cancer-predisposing syndrome. Last evaluated: 2024-11-13. Review status: criteria provided, single submitter. Criteria: Ambry Variant Classification Scheme 2023. Collection method: clinical testing. Allele origin: germline.

Baylor Genetics
Classification: Uncertain significance for Familial meningioma. Last evaluated: 2024-03-22. Review status: criteria provided, single submitter. Criteria: ACMG Guidelines, 2015. Collection method: clinical testing. Allele origin: unknown.